The following is an entry in ClinVar:

NM_013372.7(GREM1):c.407G>T (p.Gly136Val)

Gene: GREM1 (gremlin 1, DAN family BMP antagonist; plus strand). Cytogenetic location: 15q13.3.
Variant type: single nucleotide variant.
Coding change: c.407G>T on transcript NM_013372.7 (MANE Select); coding-DNA position 407, G replaced by T.
Protein change: p.Gly136Val; replaces glycine 136 with valine.
Molecular consequence: missense variant.
Genome position (GRCh38, 1-based): chr15:32,731,097, G>T. VCF-style: chr15-32731097-G-T. GRCh37 (hg19) VCF-style: chr15-33023298-G-T.
Other names: c.197G>T, p.Gly66Val (NM_001191322.2); c.284G>T, p.Gly95Val (NM_001191323.2); c.407G>T, p.Gly136Val (NM_001368719.1); short protein forms G136V, G66V, G95V.
Identifiers: ClinVar variation 4032205 (VCV004032205.1).
Genomic context (GRCh38, chr15:32,731,097, plus strand): 5'-GCTTCTGTTACGGCCAGTGCAACTCTTTCTACATCCCCAGGCACATCCGGAAGGAGGAAG[G>T]TTCCTTTCAGTCCTGCTCCTTCTGCAAGCCCAAGAAATTCACTACCATGATGGTCACACT-3'
Protein context (NP_037504.1, residues 126-146): YIPRHIRKEE[Gly136Val]SFQSCSFCKP

ClinVar aggregate classification (germline): Uncertain significance (1 of 4 stars; one submission).

Conditions:
Hereditary cancer-predisposing syndrome. Also called: Neoplastic Syndromes, Hereditary; Tumor predisposition; Hereditary neoplastic syndrome; Hereditary Cancer Syndrome. Identifiers: Orphanet 140162, MedGen C0027672, MeSH D009386, MONDO:0015356.

Submission:

Ambry Genetics
Classification: Uncertain significance for Hereditary cancer-predisposing syndrome. Last evaluated: 2025-05-05. Review status: criteria provided, single submitter. Criteria: Ambry Variant Classification Scheme 2023. Collection method: clinical testing. Allele origin: germline.
Comment: The p.G136V variant (also known as c.407G>T), located in coding exon 1 of the GREM1 gene, results from a G to T substitution at nucleotide position 407. The glycine at codon 136 is replaced by valine, an amino acid with dissimilar properties. This amino acid position is conserved. In addition, the in silico prediction for this alteration is inconclusive. Based on the available evidence, the clinical significance of this variant remains unclear.